The following is an entry in ClinVar:

NM_022552.5(DNMT3A):c.1552A>C (p.Lys518Gln)

Gene: DNMT3A (DNA methyltransferase 3 alpha; minus strand). Cytogenetic location: 2p23.3.
Variant type: single nucleotide variant.
Coding change: c.1552A>C on transcript NM_022552.5 (MANE Select); coding-DNA position 1552, A replaced by C.
Protein change: p.Lys518Gln; replaces lysine 518 with glutamine.
Molecular consequence: missense variant. On other transcripts: non-coding transcript variant (1).
Genome position (GRCh38, 1-based): chr2:25,245,255, T>G on the plus strand (A>C on the coding strand, the complement: DNMT3A is on the minus strand). VCF-style: chr2-25245255-T-G. GRCh37 (hg19) VCF-style: chr2-25468124-T-G.
Other names: c.985A>C, p.Lys329Gln (NM_153759.3); c.1552A>C, p.Lys518Gln (NM_175629.2); c.1096A>C, p.Lys366Gln (NM_001320893.1); c.883A>C, p.Lys295Gln (NM_001375819.1); short protein forms K295Q, K518Q, K366Q, K329Q.
Identifiers: ClinVar variation 5035511 (VCV005035511.1).

ClinVar aggregate classification (germline): Uncertain significance (1 of 4 stars; one submission).

Conditions:
Inborn genetic diseases. Identifiers: MedGen C0950123, MeSH D030342.

Submission:

Ambry Genetics
Classification: Uncertain significance for Inborn genetic diseases. Last evaluated: 2026-08-01. Review status: criteria provided, single submitter. Criteria: Ambry Variant Classification Scheme 2023. Collection method: clinical testing. Allele origin: germline.
Comment: The p.K518Q variant (also known as c.1552A>C), located in coding exon 12 of the DNMT3A gene, results from an A to C substitution at nucleotide position 1552. The lysine at codon 518 is replaced by glutamine, an amino acid with similar properties. This amino acid position is conserved. In addition, this alteration is predicted to be deleterious by in silico analysis. Based on the available evidence, the clinical significance of this variant remains unclear.